The following is an entry in ClinVar:

ClinVar aggregate classification (germline): Pathogenic/Likely pathogenic. Review status: criteria provided, multiple submitters, no conflicts (2 of 4 stars). 2 submissions from 2 submitters: Pathogenic (1); Likely pathogenic (1). Last evaluated 2022-08-16.

Conditions:
Early-infantile DEE. Also called: Early infantile epileptic encephalopathy; Ohtahara syndrome; Early infantile epileptic encephalopathy with suppression bursts. Identifiers: Orphanet 1934, MedGen C0393706, MONDO:0800491.
Severe myoclonic epilepsy in infancy (DRVT). Also called: SEVERE MYOCLONIC EPILEPSY OF INFANCY; DEVELOPMENTAL AND EPILEPTIC ENCEPHALOPATHY 6A; Dravet syndrome; Epileptic encephalopathy, early infantile, 6 (Dravet syndrome); Severe Myoclonic Epilepsy in Infancy (SMEI). Identifiers: Orphanet 33069, MedGen C0751122, MONDO:0100135, OMIM 607208.

Submissions (2):

Labcorp Genetics (formerly Invitae), Labcorp
Classification: Pathogenic for Early-infantile DEE. Last evaluated: 2022-08-16. Review status: criteria provided, single submitter. Criteria: Invitae Variant Classification Sherloc (09022015). Collection method: clinical testing. Allele origin: germline.
Comment: ClinVar contains an entry for this variant (Variation ID: 571229). This variant has been observed in individual(s) with Dravet syndrome and SCN1A-related disorder (PMID: 25459969; Invitae). In at least one individual the variant was observed to be de novo. This variant is not present in population databases (gnomAD no frequency). This sequence change falls in intron 24 of the SCN1A gene. It does not directly change the encoded amino acid sequence of the SCN1A protein. It affects a nucleotide within the consensus splice site. For these reasons, this variant has been classified as Pathogenic. Variants that disrupt the consensus splice site are a relatively common cause of aberrant splicing (PMID: 17576681, 9536098). Algorithms developed to predict the effect of sequence changes on RNA splicing suggest that this variant may disrupt the consensus splice site.

MGZ Medical Genetics Center
Classification: Likely pathogenic for Severe myoclonic epilepsy in infancy. Last evaluated: 2022-01-31. Review status: criteria provided, single submitter. Criteria: ACMG Guidelines, 2015. Collection method: clinical testing. Allele origin: germline. Affected: yes. Observed: 1 variant allele.
Comment: ACMG criteria applied: PS2_MOD, PS4_MOD, PM2_SUP, PP3

Literature cited by the submitters: PubMed 25459969 (cited by Labcorp Genetics (formerly Invitae), Labcorp); PubMed 17576681 (cited by Labcorp Genetics (formerly Invitae), Labcorp); PubMed 9536098 (cited by Labcorp Genetics (formerly Invitae), Labcorp).

NM_001165963.4(SCN1A):c.4581+5G>C

Genes: SCN1A (sodium voltage-gated channel alpha subunit 1; minus strand), LOC102724058 (uncharacterized LOC102724058; plus strand). Cytogenetic location: 2q24.3.
Variant type: single nucleotide variant.
Coding change: c.4581+5G>C on transcript NM_001165963.4 (MANE Select); 5 bases into the intron after coding-DNA position 4581, G replaced by C.
Molecular consequence: intron variant.
Genome position (GRCh38, 1-based): chr2:165,996,008, C>G on the plus strand (G>C on the coding strand, the complement: SCN1A is on the minus strand). VCF-style: chr2-165996008-C-G. GRCh37 (hg19) VCF-style: chr2-166852518-C-G.
Other names: c.4548+5G>C (NM_001353949.2, NM_001353950.2, NM_001353951.2 and 2 more transcripts); c.4497+5G>C (NM_001353958.2, NM_001353957.2, NM_001165964.3); c.4581+5G>C (NM_001202435.3, NM_001353948.2); c.4545+5G>C (NM_001353955.2, NM_001353954.2); c.4494+5G>C (NM_001353960.2); c.2139+5G>C (NM_001353961.2).
Identifiers: ClinVar variation 571229 (VCV000571229.12), dbSNP rs1559114303, ClinGen allele CA891842565.
Genomic context (GRCh38, chr2:165,996,008, plus strand): 5'-TTGTGAGACAAGCATGCAAGTTTTTGTTTTTGTATTTTTCCCCCATATCATTTGATACTT[C>G]TTACTCCTGGTCGAGGTATAGGCTTTTGCGGTTTTTTCGATCCTAATTTTTTCATTGCAT-3'